The following is an entry in ClinVar:

ClinVar aggregate classification (germline): Uncertain significance (1 of 4 stars; one submission).

Conditions:
Pyogenic arthritis-pyoderma gangrenosum-acne syndrome (PAPA). Also called: PAPA SYNDROME; FAMILIAL RECURRENT ARTHRITIS. Identifiers: Orphanet 69126, MedGen C1858361, MONDO:0011462, OMIM 604416.

Submission:

Labcorp Genetics (formerly Invitae), Labcorp
Classification: Uncertain significance for Pyogenic arthritis-pyoderma gangrenosum-acne syndrome. Last evaluated: 2021-10-27. Review status: criteria provided, single submitter. Criteria: Invitae Variant Classification Sherloc (09022015). Collection method: clinical testing. Allele origin: germline.
Comment: In summary, the available evidence is currently insufficient to determine the role of this variant in disease. Therefore, it has been classified as a Variant of Uncertain Significance. Algorithms developed to predict the effect of missense changes on protein structure and function output the following: SIFT: "Tolerated"; PolyPhen-2: "Benign"; Align-GVGD: "Class C0". The aspartic acid amino acid residue is found in multiple mammalian species, which suggests that this missense change does not adversely affect protein function. This variant has not been reported in the literature in individuals affected with PSTPIP1-related conditions. This variant is not present in population databases (gnomAD no frequency). This sequence change replaces asparagine, a(n) neutral and polar amino acid, with aspartic acid, a(n) acidic and polar amino acid, at codon 86 of the PSTPIP1 protein (p.Asn86Asp).

NM_003978.5(PSTPIP1):c.256A>G (p.Asn86Asp)

Gene: PSTPIP1 (proline-serine-threonine phosphatase interacting protein 1; plus strand). Cytogenetic location: 15q24.3.
Variant type: single nucleotide variant.
Coding change: c.256A>G on transcript NM_003978.5 (MANE Select); coding-DNA position 256, A replaced by G.
Protein change: p.Asn86Asp; replaces asparagine 86 with aspartic acid.
Molecular consequence: missense variant. On other transcripts: non-coding transcript variant (1).
Genome position (GRCh38, 1-based): chr15:77,025,506, A>G. VCF-style: chr15-77025506-A-G. GRCh37 (hg19) VCF-style: chr15-77317847-A-G.
Other names: c.256A>G, p.Asn86Asp (NM_001321135.2); c.229A>G, p.Asn77Asp (NM_001321136.2); c.451A>G, p.Asn151Asp (NM_001321137.1); short protein forms N77D, N151D, N86D.
Identifiers: ClinVar variation 1389625 (VCV001389625.6), dbSNP rs2152683891, ClinGen allele CA393518756.
Genomic context (GRCh38, chr15:77,025,506, plus strand): 5'-TGAGGCCCATCAGATCTGACACTGGGGACCAGTATCCATGCTCTGCCCCCAGAAATGGAG[A>G]ATGTGGGCAGCTCACACATCCAGCTGGCCCTGACCCTGCGTGAGGAGCTGCGGAGTCTCG-3'
Protein context (NP_003969.2, residues 76-96): SFDSLKQQME[Asn86Asp]VGSSHIQLAL